The following is an entry in ClinVar:

ClinVar aggregate classification (germline): Conflicting classifications of pathogenicity. Review status: criteria provided, conflicting classifications (1 of 4 stars). 3 submissions from 3 submitters: Uncertain significance (2); Likely benign (1). Last evaluated 2026-06-01.

Conditions:
Cardiovascular phenotype. Identifiers: MedGen CN230736.
Long QT syndrome (LQTS). Identifiers: MedGen C0023976, MeSH D008133, MONDO:0002442. Disease mechanism: loss of function. Inheritance: Various modes of inheritance.

Allele frequency attached by ClinVar (database versions not stated): gnomAD 0.00001; ExAC 0.00002; gnomAD exomes 0.00002.
gnomAD v4.1: 33 of 1,614,010 alleles (0.002%); highest among the groups gnomAD compares: Non-Finnish European, 0.0026%; no homozygotes.

Submissions (3):

CeGaT Center for Human Genetics Tuebingen
Classification: Likely benign. Last evaluated: 2026-06-01. Review status: criteria provided, single submitter. Criteria: CeGaT Center For Human Genetics Tuebingen Variant Classification Criteria Version 2. Collection method: clinical testing. Allele origin: germline. Affected: yes. Observed: 1 variant allele.
Comment: ANK2: BP4

Labcorp Genetics (formerly Invitae), Labcorp
Classification: Uncertain significance for Long QT syndrome. Last evaluated: 2025-09-21. Review status: criteria provided, single submitter. Criteria: Invitae Variant Classification Sherloc (09022015). Collection method: clinical testing. Allele origin: germline.
Comment: This sequence change replaces threonine, which is neutral and polar, with arginine, which is basic and polar, at codon 2640 of the ANK2 protein (p.Thr2640Arg). The frequency data for this variant in the population databases is considered unreliable, as metrics indicate poor data quality at this position in the gnomAD database. This variant has not been reported in the literature in individuals affected with ANK2-related conditions. ClinVar contains an entry for this variant (Variation ID: 3221005). An algorithm developed to predict the effect of missense changes on protein structure and function (PolyPhen-2) suggests that this variant is likely to be tolerated. In summary, the available evidence is currently insufficient to determine the role of this variant in disease. Therefore, it has been classified as a Variant of Uncertain Significance.

Ambry Genetics
Classification: Uncertain significance for Cardiovascular phenotype. Last evaluated: 2023-12-26. Review status: criteria provided, single submitter. Criteria: Ambry Variant Classification Scheme 2023. Collection method: clinical testing. Allele origin: germline.
Comment: The p.T2640R variant (also known as c.7919C>G), located in coding exon 38 of the ANK2 gene, results from a C to G substitution at nucleotide position 7919. The threonine at codon 2640 is replaced by arginine, an amino acid with similar properties. This amino acid position is conserved. In addition, this alteration is predicted to be tolerated by in silico analysis. Since supporting evidence is limited at this time, the clinical significance of this alteration remains unclear.

NM_001148.6(ANK2):c.7919C>G (p.Thr2640Arg)

Genes: ANK2 (ankyrin 2; plus strand), LOC126807137 (CDK7 strongly-dependent group 2 enhancer GRCh37_chr4:114276560-114277759; plus strand). Cytogenetic location: 4q26.
Variant type: single nucleotide variant.
Coding change: c.7919C>G on transcript NM_001148.6 (MANE Select); coding-DNA position 7919, C replaced by G.
Protein change: p.Thr2640Arg; replaces threonine 2640 with arginine.
Molecular consequence: missense variant. On other transcripts: intron variant (68).
Genome position (GRCh38, 1-based): chr4:113,356,537, C>G. VCF-style: chr4-113356537-C-G. GRCh37 (hg19) VCF-style: chr4-114277693-C-G.
Other names: c.1991-4286C>G (NM_001354279.2, NM_001354282.2); c.1976-4286C>G (NM_001354280.2); c.1955-4286C>G (NM_001354278.2, NM_001354281.2); c.827-4286C>G (NM_001386167.1); c.4463-4286C>G (NM_001354232.2); c.4328-4286C>G (NM_001354228.2, NM_001354258.2); c.4265-4286C>G (NM_001354245.2, NM_001354262.2, NM_001354275.2); c.4229-4286C>G (NM_001354268.2); and 35 more; short protein forms T1440R, T2562R, T2640R, T2679R, T2687R.
Identifiers: ClinVar variation 3221005 (VCV003221005.4), dbSNP rs775510550, ClinGen allele CA3051674.
Genomic context (GRCh38, chr4:113,356,537, plus strand): 5'-CTTCTTCATCTTCTGACCCAGATGCTGACTGTTCAGTAGATGTGGATGAACCAAAACATA[C>G]AGGCAGTGGGGAGGATGAAAGTGGTGTCCCTGTGTTAGTAACTTCGGAGAGCAGGAAGGT-3'
Protein context (NP_001139.3, residues 2630-2650): CSVDVDEPKH[Thr2640Arg]GSGEDESGVP